The following is an entry in ClinVar:

ClinVar aggregate classification (germline): Likely benign. Review status: criteria provided, single submitter (1 of 4 stars). 2 submissions from 2 submitters: Likely benign (1). 1 of the submissions does not count toward it. Last evaluated 2024-05-10.

Conditions:
TMEM67-related disorder. Also called: TMEM67-related condition; TMEM67-related disorders. Identifiers: MedGen CN239423.

Submissions (2):

Blueprint Genetics
Classification: Likely benign. Last evaluated: 2024-05-10. Review status: criteria provided, single submitter. Criteria: ACMG Guidelines, 2015. Collection method: clinical testing. Allele origin: germline.

PreventionGenetics, part of Exact Sciences
Classification: Likely benign for TMEM67-related condition. Last evaluated: 2024-08-07. Review status: no assertion criteria provided. Collection method: clinical testing. Allele origin: germline. Not counted in ClinVar's aggregate classification.
Comment: This variant is classified as likely benign based on ACMG/AMP sequence variant interpretation guidelines (Richards et al. 2015 PMID: 25741868, with internal and published modifications).

NM_153704.6(TMEM67):c.224-10_224-3del

Gene: TMEM67 (transmembrane protein 67; plus strand). Cytogenetic location: 8q22.1.
Variant type: Deletion.
Coding change: c.224-10_224-3del on transcript NM_153704.6 (MANE Select); 10 bases into the intron before coding-DNA position 224 through 3 bases into the intron before coding-DNA position 224, 8 bases deleted (TTTTTTTT; older notation c.224-10_224-3delTTTTTTTT).
Molecular consequence: intron variant.
Genome position (GRCh38, 1-based): chr8:93,755,768-93,755,775, TTTTTTTT deleted; deleting any 8 consecutive bases within chr8:93,755,752-93,755,775 gives the same sequence; the c. name uses the placement nearest the transcript's 3' end. VCF-style (leftmost placement, unchanged base first): chr8-93755751-CTTTTTTTT-C. GRCh37 (hg19) VCF-style: chr8-94767979-CTTTTTTTT-C.
Other names: c.-62+631_-62+638del (NM_001142301.1).
Identifiers: ClinVar variation 3352454 (VCV003352454.2).
Genomic context (GRCh38, chr8:93,755,751, plus strand): 5'-GACTTATTAAAAGTTTCACTATCTGGGAACTTTATTTTTATTTATCAAGGATAAAATTGG[CTTTTTTTT>C]TTTTTTTTTTTTTTTTAGGAACTTCATGTGTATGTCTACCAGGATTTCAGATGATCTCTA-3'